The following is an entry in ClinVar:

ClinVar aggregate classification (germline): Pathogenic (1 of 4 stars; one submission).

Conditions:
Hereditary cancer-predisposing syndrome. Also called: Neoplastic Syndromes, Hereditary; Tumor predisposition; Hereditary Cancer Syndrome; Hereditary neoplastic syndrome. Identifiers: Orphanet 140162, MedGen C0027672, MeSH D009386, MONDO:0015356.

Submission:

Ambry Genetics
Classification: Pathogenic for Hereditary cancer-predisposing syndrome. Last evaluated: 2015-09-10. Review status: criteria provided, single submitter. Criteria: Ambry Variant Classification Scheme 2023. Collection method: clinical testing. Allele origin: germline.
Comment: The c.2635delA pathogenic mutation, located in coding exon 7 of the PALB2 gene, results from a deletion of one nucleotide at position 2635, causing a translational frameshift with a predicted alternate stop codon. Since frameshifts are typically deleterious in nature, this alteration is interpreted as a disease-causing mutation (ACMG Recommendations for Standards for Interpretation and Reporting of Sequence Variations. Revision 2007. Genet Med. 2008;10:294).

NM_024675.4(PALB2):c.2635del (p.Arg879fs)

Gene: PALB2 (partner and localizer of BRCA2; minus strand). Cytogenetic location: 16p12.2.
Variant type: Deletion.
Coding change: c.2635del on transcript NM_024675.4 (MANE Select); coding-DNA position 2635, one base deleted (A; older notation c.2635delA).
Protein change: p.Arg879fs; shifts the reading frame from arginine 879.
Molecular consequence: frameshift variant.
Genome position (GRCh38, 1-based): chr16:23,626,349, T deleted on the plus strand (A on the coding strand, the reverse complement: PALB2 is on the minus strand); the first of 3 consecutive T bases (chr16:23,626,349-23,626,351); deleting any one gives the same sequence. VCF-style (leftmost placement, unchanged base first): chr16-23626348-CT-C. GRCh37 (hg19) VCF-style: chr16-23637669-CT-C.
Other names: c.2635delA (NM_024675.3); short protein forms R879fs.
Identifiers: ClinVar variation 233796 (VCV000233796.5), dbSNP rs876660643, ClinGen allele CA10579958.